The following is an entry in ClinVar:

ClinVar aggregate classification (germline): Uncertain significance. Review status: criteria provided, multiple submitters, no conflicts (2 of 4 stars). 2 submissions from 2 submitters: Uncertain significance (2). Last evaluated 2024-10-17.

Conditions:
Inborn genetic diseases. Identifiers: MedGen C0950123, MeSH D030342.
Marshall-Smith syndrome (MRSHSS). Identifiers: Orphanet 561, MedGen C0265211, MONDO:0011244, OMIM 602535.
Malan overgrowth syndrome (MALNS). Also called: MALAN SYNDROME; Sotos syndrome 2; NFIX-Related Malan Syndrome. Identifiers: Orphanet 420179, MedGen C3553660, MONDO:0013885, OMIM 614753.

Submissions (2):

Labcorp Genetics (formerly Invitae), Labcorp
Classification: Uncertain significance for Malan overgrowth syndrome; Marshall-Smith syndrome. Last evaluated: 2024-10-17. Review status: criteria provided, single submitter. Criteria: Invitae Variant Classification Sherloc (09022015). Collection method: clinical testing. Allele origin: germline.
Comment: This sequence change replaces leucine, which is neutral and non-polar, with arginine, which is basic and polar, at codon 128 of the NFIX protein (p.Leu128Arg). This variant is not present in population databases (gnomAD no frequency). This variant has not been reported in the literature in individuals affected with NFIX-related conditions. ClinVar contains an entry for this variant (Variation ID: 2612223). Experimental studies and prediction algorithms are not available or were not evaluated, and the functional significance of this variant is currently unknown. In summary, the available evidence is currently insufficient to determine the role of this variant in disease. Therefore, it has been classified as a Variant of Uncertain Significance.

Ambry Genetics
Classification: Uncertain significance for Inborn genetic diseases. Last evaluated: 2023-08-21. Review status: criteria provided, single submitter. Criteria: Ambry Variant Classification Scheme 2023. Collection method: clinical testing. Allele origin: germline.
Comment: The c.359T>G (p.L120R) alteration is located in exon 2 (coding exon 2) of the NFIX gene. This alteration results from a T to G substitution at nucleotide position 359, causing the leucine (L) at amino acid position 120 to be replaced by an arginine (R). This variant was not reported in population-based cohorts in the Genome Aggregation Database (gnomAD). This amino acid position is highly conserved in available vertebrate species. The in silico prediction for this alteration is inconclusive. Based on insufficient or conflicting evidence, the clinical significance of this alteration remains unclear.

NM_001365902.3(NFIX):c.359T>G (p.Leu120Arg)

Gene: NFIX (nuclear factor I X; plus strand). Cytogenetic location: 19p13.13.
Variant type: single nucleotide variant.
Coding change: c.359T>G on transcript NM_001365902.3 (MANE Select); coding-DNA position 359, T replaced by G.
Protein change: p.Leu120Arg; replaces leucine 120 with arginine.
Molecular consequence: missense variant.
Genome position (GRCh38, 1-based): chr19:13,025,352, T>G. VCF-style: chr19-13025352-T-G. GRCh37 (hg19) VCF-style: chr19-13136166-T-G.
Other names: c.383T>G, p.Leu128Arg (NM_001271043.2); c.335T>G, p.Leu112Arg (NM_001271044.3, NM_001378404.1); c.359T>G, p.Leu120Arg (NM_001365982.2, NM_002501.4); c.218T>G, p.Leu73Arg (NM_001365983.2); c.356T>G, p.Leu119Arg (NM_001365984.2, NM_001365985.2); c.407T>G, p.Leu136Arg (NM_001378405.1); short protein forms L120R, L112R, L119R, L128R, L136R, L73R.
Identifiers: ClinVar variation 2612223 (VCV002612223.5), dbSNP rs2512745878, ClinGen allele CA404314584.